The following is an entry in ClinVar:

NM_006514.4(SCN10A):c.2521A>T (p.Ile841Phe)

Gene: SCN10A (sodium voltage-gated channel alpha subunit 10; minus strand). Cytogenetic location: 3p22.2.
Variant type: single nucleotide variant.
Coding change: c.2521A>T on transcript NM_006514.4 (MANE Select); coding-DNA position 2521, A replaced by T.
Protein change: p.Ile841Phe; replaces isoleucine 841 with phenylalanine.
Molecular consequence: missense variant.
Genome position (GRCh38, 1-based): chr3:38,728,661, T>A on the plus strand (A>T on the coding strand, the complement: SCN10A is on the minus strand). VCF-style: chr3-38728661-T-A. GRCh37 (hg19) VCF-style: chr3-38770152-T-A.
Other names: c.2521A>T, p.Ile841Phe (NM_001293306.2); c.2227A>T, p.Ile743Phe (NM_001293307.2); short protein forms I841F, I743F.
Identifiers: ClinVar variation 1792547 (VCV001792547.2), dbSNP rs762119038, ClinGen allele CA352160292.
Genomic context (GRCh38, chr3:38,728,661, plus strand): 5'-CAACTTCCATGCAGGCCCACATGTTCTCAATCCACTCTCCACAGAGGATACGGAAGACAA[T>A]GAGGAAAGAGTGGAAGAAGTCGTGCATGTGCCAGCGGGGCCAGTCTTCATGGGGCGCGGA-3'
Protein context (NP_006505.4, residues 831-851): HMHDFFHSFL[Ile841Phe]VFRILCGEWI

ClinVar aggregate classification (germline): Uncertain significance (1 of 4 stars; one submission).

Conditions:
Cardiovascular phenotype. Identifiers: MedGen CN230736.

Allele frequency attached by ClinVar (database versions not stated): gnomAD 0.00001.
gnomAD v4.1: 1 of 1,614,066 alleles (0.000062%); highest among the groups gnomAD compares: East Asian, 0.0022%; no homozygotes.

Submission:

Ambry Genetics
Classification: Uncertain significance for Cardiovascular phenotype. Last evaluated: 2021-10-16. Review status: criteria provided, single submitter. Criteria: Ambry Variant Classification Scheme 2023. Collection method: clinical testing. Allele origin: germline.
Comment: The p.I841F variant (also known as c.2521A>T), located in coding exon 15 of the SCN10A gene, results from an A to T substitution at nucleotide position 2521. The isoleucine at codon 841 is replaced by phenylalanine, an amino acid with highly similar properties. This amino acid position is conserved. In addition, the in silico prediction for this alteration is inconclusive. Since supporting evidence is limited at this time, the clinical significance of this alteration remains unclear.